The following is an entry in ClinVar:

NM_001572.5(IRF7):c.975C>A (p.Asp325Glu)

Gene: IRF7 (interferon regulatory factor 7; minus strand). Cytogenetic location: 11p15.5.
Variant type: single nucleotide variant.
Coding change: c.975C>A on transcript NM_001572.5 (MANE Select); coding-DNA position 975, C replaced by A.
Protein change: p.Asp325Glu; replaces aspartic acid 325 with glutamic acid.
Molecular consequence: missense variant.
Genome position (GRCh38, 1-based): chr11:613,468, G>T on the plus strand (C>A on the coding strand, the complement: IRF7 is on the minus strand). VCF-style: chr11-613468-G-T. GRCh37 (hg19) VCF-style: chr11-613468-G-T.
Other names: c.888C>A, p.Asp296Glu (NM_004029.4); c.1014C>A, p.Asp338Glu (NM_004031.4); short protein forms D325E, D296E, D338E.
Identifiers: ClinVar variation 1971807 (VCV001971807.5), dbSNP rs1482328280, ClinGen allele CA378979302.

ClinVar aggregate classification (germline): Uncertain significance (1 of 4 stars; one submission).

Conditions:
Immunodeficiency 39 (IMD39). Identifiers: Orphanet 574918, MedGen C4225358, MONDO:0014597, OMIM 616345.

Allele frequency attached by ClinVar (database versions not stated): gnomAD exomes below 0.00001.
gnomAD v4.1: 5 of 1,546,996 alleles (0.00032%); highest among the groups gnomAD compares: South Asian, 0.0012%; no homozygotes.

Submission:

Labcorp Genetics (formerly Invitae), Labcorp
Classification: Uncertain significance for Immunodeficiency 39. Last evaluated: 2022-03-16. Review status: criteria provided, single submitter. Criteria: Invitae Variant Classification Sherloc (09022015). Collection method: clinical testing. Allele origin: germline.
Comment: In summary, the available evidence is currently insufficient to determine the role of this variant in disease. Therefore, it has been classified as a Variant of Uncertain Significance. Algorithms developed to predict the effect of missense changes on protein structure and function output the following: SIFT: "Tolerated"; PolyPhen-2: "Benign"; Align-GVGD: "Class C0". The glutamic acid amino acid residue is found in multiple mammalian species, which suggests that this missense change does not adversely affect protein function. This variant has not been reported in the literature in individuals affected with IRF7-related conditions. This variant is not present in population databases (gnomAD no frequency). This sequence change replaces aspartic acid, which is acidic and polar, with glutamic acid, which is acidic and polar, at codon 338 of the IRF7 protein (p.Asp338Glu).